The following is an entry in ClinVar:

ClinVar aggregate classification (germline): Uncertain significance. Review status: criteria provided, multiple submitters, no conflicts (2 of 4 stars). 2 submissions from 2 submitters: Uncertain significance (2). Last evaluated 2025-12-09.

Conditions:
Developmental and epileptic encephalopathy, 30 (DEE30). Also called: Epileptic encephalopathy, early infantile, 30. Identifiers: MedGen C4225360, MONDO:0014595, OMIM 616341.
Inborn genetic diseases. Identifiers: MedGen C0950123, MeSH D030342.

Submissions (2):

Labcorp Genetics (formerly Invitae), Labcorp
Classification: Uncertain significance for Developmental and epileptic encephalopathy, 30. Last evaluated: 2025-12-09. Review status: criteria provided, single submitter. Criteria: Invitae Variant Classification Sherloc (09022015). Collection method: clinical testing. Allele origin: germline.
Comment: This sequence change replaces leucine, which is neutral and non-polar, with phenylalanine, which is neutral and non-polar, at codon 484 of the SIK1 protein (p.Leu484Phe). This variant is present in population databases (no rsID available, gnomAD 0.006%). This variant has not been reported in the literature in individuals affected with SIK1-related conditions. ClinVar contains an entry for this variant (Variation ID: 2525731). Invitae Evidence Modeling of protein sequence and biophysical properties (such as structural, functional, and spatial information, amino acid conservation, physicochemical variation, residue mobility, and thermodynamic stability) indicates that this missense variant is not expected to disrupt SIK1 protein function with a negative predictive value of 95%. In summary, the available evidence is currently insufficient to determine the role of this variant in disease. Therefore, it has been classified as a Variant of Uncertain Significance.

Ambry Genetics
Classification: Uncertain significance for Inborn genetic diseases. Last evaluated: 2023-05-24. Review status: criteria provided, single submitter. Criteria: Ambry Variant Classification Scheme 2023. Collection method: clinical testing. Allele origin: germline.

NM_173354.5(SIK1):c.1450C>T (p.Leu484Phe)

Gene: SIK1 (salt inducible kinase 1; minus strand). Cytogenetic location: 21q22.3.
Variant type: single nucleotide variant.
Coding change: c.1450C>T on transcript NM_173354.5 (MANE Select); coding-DNA position 1450, C replaced by T.
Protein change: p.Leu484Phe; replaces leucine 484 with phenylalanine.
Molecular consequence: missense variant.
Genome position (GRCh38, 1-based): chr21:43,419,033, G>A on the plus strand (C>T on the coding strand, the complement: SIK1 is on the minus strand). VCF-style: chr21-43419033-G-A. GRCh37 (hg19) VCF-style: chr21-44838913-G-A.
Other names: short protein forms L484F.
Identifiers: ClinVar variation 2525731 (VCV002525731.4), dbSNP rs757191457, ClinGen allele CA410607986.